The following is an entry in ClinVar:

NM_001040142.2(SCN2A):c.5869A>G (p.Asn1957Asp)

Gene: SCN2A (sodium voltage-gated channel alpha subunit 2; plus strand). Cytogenetic location: 2q24.3.
Variant type: single nucleotide variant.
Coding change: c.5869A>G on transcript NM_001040142.2 (MANE Select); coding-DNA position 5869, A replaced by G.
Protein change: p.Asn1957Asp; replaces asparagine 1957 with aspartic acid.
Molecular consequence: missense variant.
Genome position (GRCh38, 1-based): chr2:165,389,675, A>G. VCF-style: chr2-165389675-A-G. GRCh37 (hg19) VCF-style: chr2-166246185-A-G.
Other names: c.5869A>G, p.Asn1957Asp (NM_001040143.2, NM_001371246.1, NM_001371247.1 and 1 more transcripts); short protein forms N1957D.
Identifiers: ClinVar variation 3370587 (VCV003370587.2).

ClinVar aggregate classification (germline): Uncertain significance (1 of 4 stars; one submission).

Submission:

GeneDx
Classification: Uncertain significance. Last evaluated: 2024-12-09. Review status: criteria provided, single submitter. Criteria: GeneDx Variant Classification Process June 2021. Collection method: clinical testing. Allele origin: germline. Affected: yes.
Comment: Not observed at significant frequency in large population cohorts (gnomAD); In silico analysis supports that this missense variant has a deleterious effect on protein structure/function; Has not been previously published as pathogenic or benign to our knowledge; This substitution is predicted to be within the C-terminal cytoplasmic domain